The following is an entry in ClinVar:

NM_004130.4(GYG1):c.934_942del (p.Ala312_Pro314del)

Gene: GYG1 (glycogenin 1; plus strand). Cytogenetic location: 3q24.
Variant type: Deletion.
Coding change: c.934_942del on transcript NM_004130.4 (MANE Select); coding-DNA positions 934 to 942, 9 bases deleted (GCACAGCCG; older notation c.934_942delGCACAGCCG).
Protein change: p.Ala312_Pro314del.
Molecular consequence: inframe deletion. On other transcripts: inframe indel (1).
Genome position (GRCh38, 1-based): chr3:149,026,814-149,026,822, GCACAGCCG deleted; deleting any 9 consecutive bases within chr3:149,026,813-149,026,822 gives the same sequence; the c. name uses the placement nearest the transcript's 3' end. VCF-style (leftmost placement, unchanged base first): chr3-149026812-TGGCACAGCC-T. GRCh37 (hg19) VCF-style: chr3-148744599-TGGCACAGCC-T.
Other names: c.883_891del, p.Ala295_Pro297del (NM_001184720.2); c.663_671del, p.Trp221_Arg224delinsCys (NM_001184721.2).
Identifiers: ClinVar variation 2020923 (VCV002020923.4), dbSNP rs2472763332, ClinGen allele CA2580069034.

ClinVar aggregate classification (germline): Uncertain significance (1 of 4 stars; one submission).

Conditions:
Glycogen storage disease XV (GSD15). Also called: GLYCOGENIN DEFICIENCY; GSD XV. Identifiers: Orphanet 263297, MedGen C3150754, MONDO:0013291, OMIM 613507.
Polyglucosan body myopathy type 2. Identifiers: Orphanet 456369, MedGen C4015452, MONDO:0014526, OMIM 616199.

Submission:

Labcorp Genetics (formerly Invitae), Labcorp
Classification: Uncertain significance for Polyglucosan body myopathy type 2; Glycogen storage disease XV. Last evaluated: 2022-10-03. Review status: criteria provided, single submitter. Criteria: Invitae Variant Classification Sherloc (09022015). Collection method: clinical testing. Allele origin: germline.
Comment: In summary, the available evidence is currently insufficient to determine the role of this variant in disease. Therefore, it has been classified as a Variant of Uncertain Significance. Experimental studies and prediction algorithms are not available or were not evaluated, and the functional significance of this variant is currently unknown. This variant has not been reported in the literature in individuals affected with GYG1-related conditions. This variant is not present in population databases (gnomAD no frequency). This variant, c.934_942del, results in the deletion of 3 amino acid(s) of the GYG1 protein (p.Ala312_Pro314del), but otherwise preserves the integrity of the reading frame.